The following is an entry in ClinVar:

ClinVar aggregate classification (germline): Uncertain significance. Review status: criteria provided, multiple submitters, no conflicts (2 of 4 stars). 2 submissions from 2 submitters: Uncertain significance (2). Last evaluated 2025-07-30.

Conditions:
Inborn genetic diseases. Identifiers: MedGen C0950123, MeSH D030342.

Allele frequency attached by ClinVar (database versions not stated): ExAC 0.00001.
gnomAD v4.1: 19 of 1,208,600 alleles (0.0016%); highest among the groups gnomAD compares: South Asian, 0.0088%; no homozygotes.

Submissions (2):

Labcorp Genetics (formerly Invitae), Labcorp
Classification: Uncertain significance. Last evaluated: 2025-07-30. Review status: criteria provided, single submitter. Criteria: Invitae Variant Classification Sherloc (09022015). Collection method: clinical testing. Allele origin: germline.
Comment: This sequence change replaces glycine, which is neutral and non-polar, with arginine, which is basic and polar, at codon 165 of the BCAP31 protein (p.Gly165Arg). This variant is present in population databases (rs782530683, gnomAD 0.01%). This variant has not been reported in the literature in individuals affected with BCAP31-related conditions. ClinVar contains an entry for this variant (Variation ID: 1903972). An algorithm developed to predict the effect of missense changes on protein structure and function outputs the following: PolyPhen-2: "Benign". The arginine amino acid residue is found in multiple mammalian species, which suggests that this missense change does not adversely affect protein function. In summary, the available evidence is currently insufficient to determine the role of this variant in disease. Therefore, it has been classified as a Variant of Uncertain Significance.

Ambry Genetics
Classification: Uncertain significance for Inborn genetic diseases. Last evaluated: 2023-04-11. Review status: criteria provided, single submitter. Criteria: Ambry Variant Classification Scheme 2023. Collection method: clinical testing. Allele origin: germline.

NM_001256447.2(BCAP31):c.493G>A (p.Gly165Arg)

Gene: BCAP31 (B cell receptor associated protein 31; minus strand). Cytogenetic location: Xq28.
Variant type: single nucleotide variant.
Coding change: c.493G>A on transcript NM_001256447.2 (MANE Select); coding-DNA position 493, G replaced by A.
Protein change: p.Gly165Arg; replaces glycine 165 with arginine.
Molecular consequence: missense variant.
Genome position (GRCh38, 1-based): chrX:153,703,043, C>T on the plus strand (G>A on the coding strand, the complement: BCAP31 is on the minus strand). VCF-style: chrX-153703043-C-T. GRCh37 (hg19) VCF-style: chrX-152968498-C-T.
Other names: c.493G>A, p.Gly165Arg (NM_001139441.1, NM_005745.8); c.694G>A, p.Gly232Arg (NM_001139457.2); c.694G>A (NM_001139457.1); short protein forms G165R, G232R.
Identifiers: ClinVar variation 1903972 (VCV001903972.7), dbSNP rs782530683, ClinGen allele CA10549749.